The following is an entry in ClinVar:

NM_001035.3(RYR2):c.13849A>G (p.Ile4617Val)

Gene: RYR2 (ryanodine receptor 2; plus strand). Cytogenetic location: 1q43.
Variant type: single nucleotide variant.
Coding change: c.13849A>G on transcript NM_001035.3 (MANE Select); coding-DNA position 13849, A replaced by G.
Protein change: p.Ile4617Val; replaces isoleucine 4617 with valine.
Molecular consequence: missense variant.
Genome position (GRCh38, 1-based): chr1:237,793,933, A>G. VCF-style: chr1-237793933-A-G. GRCh37 (hg19) VCF-style: chr1-237957233-A-G.
Other names: short protein forms I4617V.
Identifiers: ClinVar variation 3678345 (VCV003678345.3).
Genomic context (GRCh38, chr1:237,793,933, plus strand): 5'-TTGGTTATTTTTAAGCGAGAAAAGGAAGTGGCACGGAAATTGGAATTTGATGGGCTTTAT[A>G]TTACAGAACAGCCTTCAGAAGATGATATTAAAGGCCAGTGGGATAGACTCGTAATCAACA-3'
Protein context (NP_001026.2, residues 4607-4627): ARKLEFDGLY[Ile4617Val]TEQPSEDDIK

ClinVar aggregate classification (germline): Uncertain significance. Review status: criteria provided, multiple submitters, no conflicts (2 of 4 stars). 2 submissions from 2 submitters: Uncertain significance (2). Last evaluated 2025-08-25.

Conditions:
Cardiomyopathy (CMYO). Also called: Cardiomyopathies. Identifiers: Orphanet 167848, MedGen C0878544, MONDO:0004994, HP:0001638. Inheritance: Various modes of inheritance.
Catecholaminergic polymorphic ventricular tachycardia 1. Also called: VENTRICULAR TACHYCARDIA, CATECHOLAMINERGIC POLYMORPHIC, 1, WITH OR WITHOUT ATRIAL DYSFUNCTION AND/OR DILATED CARDIOMYOPATHY; VENTRICULAR TACHYCARDIA, STRESS-INDUCED POLYMORPHIC 1; RYR2-Related Catecholaminergic Polymorphic Ventricular Tachycardia. Identifiers: Orphanet 3286, MedGen C1631597, MONDO:0011484, OMIM 604772.

Submissions (2):

Color Diagnostics, LLC DBA Color Health
Classification: Uncertain significance for Cardiomyopathy. Last evaluated: 2025-08-25. Review status: criteria provided, single submitter. Criteria: ACMG Guidelines, 2015. Collection method: clinical testing. Allele origin: germline.
Comment: This missense variant replaces isoleucine with valine at codon 4617 of the RYR2 protein. Computational prediction is inconclusive regarding the impact of this variant on protein structure and function. To our knowledge, functional studies have not been reported for this variant. This variant has not been reported in individuals affected with RYR2-related disorders in the literature. This variant has not been identified in the general population by the Genome Aggregation Database (gnomAD). The available evidence is insufficient to determine the role of this variant in disease conclusively. Therefore, this variant is classified as a Variant of Uncertain Significance.

Labcorp Genetics (formerly Invitae), Labcorp
Classification: Uncertain significance for Catecholaminergic polymorphic ventricular tachycardia 1. Last evaluated: 2024-07-30. Review status: criteria provided, single submitter. Criteria: Invitae Variant Classification Sherloc (09022015). Collection method: clinical testing. Allele origin: germline.
Comment: This sequence change replaces isoleucine, which is neutral and non-polar, with valine, which is neutral and non-polar, at codon 4617 of the RYR2 protein (p.Ile4617Val). This variant is not present in population databases (gnomAD no frequency). This variant has not been reported in the literature in individuals affected with RYR2-related conditions. Advanced modeling of protein sequence and biophysical properties (such as structural, functional, and spatial information, amino acid conservation, physicochemical variation, residue mobility, and thermodynamic stability) has been performed at Invitae for this missense variant, however the output from this modeling did not meet the statistical confidence thresholds required to predict the impact of this variant on RYR2 protein function. In summary, the available evidence is currently insufficient to determine the role of this variant in disease. Therefore, it has been classified as a Variant of Uncertain Significance.